The following is an entry in ClinVar:

NM_024642.5(GALNT12):c.1035+1G>A

Gene: GALNT12 (polypeptide N-acetylgalactosaminyltransferase 12; plus strand). Cytogenetic location: 9q22.33.
Variant type: single nucleotide variant.
Coding change: c.1035+1G>A on transcript NM_024642.5 (MANE Select); the canonical splice donor site of the intron after coding-DNA position 1035, G replaced by A.
Molecular consequence: splice donor variant.
Genome position (GRCh38, 1-based): chr9:98,835,367, G>A. VCF-style: chr9-98835367-G-A. GRCh37 (hg19) VCF-style: chr9-101597649-G-A.
Identifiers: ClinVar variation 1772161 (VCV001772161.3), dbSNP rs1363014898, ClinGen allele CA374219574.

ClinVar aggregate classification (germline): Uncertain significance (1 of 4 stars; one submission).

Allele frequency attached by ClinVar (database versions not stated): gnomAD exomes below 0.00001.
gnomAD v4.1: 1 of 1,547,600 alleles (0.000065%); highest among the groups gnomAD compares: Non-Finnish European, 0.000089%; no homozygotes.

Submission:

Ambry Genetics
Classification: Uncertain significance. Last evaluated: 2023-03-27. Review status: criteria provided, single submitter. Criteria: Ambry Variant Classification Scheme 2023. Collection method: clinical testing. Allele origin: germline.
Comment: The c.1035+1G>A intronic variant results from a G to A substitution one nucleotide after coding exon 5 of the GALNT12 gene. This nucleotide position is highly conserved in available vertebrate species. In silico splice site analysis predicts that this alteration will weaken the native splice donor site. Alterations that disrupt the canonical splice site are expected to cause aberrant splicing, resulting in an abnormal protein or a transcript that is subject to nonsense-mediated mRNA decay. However, the evidence for this gene-disease relationship is limited; therefore, the clinical significance of this alteration is unclear.